The following is an entry in ClinVar:

NM_002599.5(PDE2A):c.704G>T (p.Gly235Val)

Gene: PDE2A (phosphodiesterase 2A; minus strand). Cytogenetic location: 11q13.4.
Variant type: single nucleotide variant.
Coding change: c.704G>T on transcript NM_002599.5 (MANE Select); coding-DNA position 704, G replaced by T.
Protein change: p.Gly235Val; replaces glycine 235 with valine.
Molecular consequence: missense variant.
Genome position (GRCh38, 1-based): chr11:72,590,244, C>A on the plus strand (G>T on the coding strand, the complement: PDE2A is on the minus strand). VCF-style: chr11-72590244-C-A. GRCh37 (hg19) VCF-style: chr11-72301288-C-A.
Other names: c.683G>T, p.Gly228Val (NM_001143839.4); c.677G>T, p.Gly226Val (NM_001146209.3); c.641G>T, p.Gly214Val (NM_001243784.2); short protein forms G214V, G228V, G235V, G226V.
Identifiers: ClinVar variation 1394879 (VCV001394879.8), dbSNP rs1306285489, ClinGen allele CA381765106.

ClinVar aggregate classification (germline): Uncertain significance (1 of 4 stars; one submission).

Allele frequency attached by ClinVar (database versions not stated): gnomAD exomes below 0.00001 and 0.00001.
gnomAD v4.1: 1 of 1,551,482 alleles (0.000064%); highest among the groups gnomAD compares: Non-Finnish European, 0.000087%; no homozygotes.

Submission:

Labcorp Genetics (formerly Invitae), Labcorp
Classification: Uncertain significance. Last evaluated: 2021-05-13. Review status: criteria provided, single submitter. Criteria: Invitae Variant Classification Sherloc (09022015). Collection method: clinical testing. Allele origin: germline.
Comment: Algorithms developed to predict the effect of missense changes on protein structure and function are either unavailable or do not agree on the potential impact of this missense change (SIFT: "Deleterious"; PolyPhen-2: "Probably Damaging"; Align-GVGD: "Class C0"). This variant has not been reported in the literature in individuals with PDE2A-related conditions. This variant is not present in population databases (ExAC no frequency). This sequence change replaces glycine with valine at codon 235 of the PDE2A protein (p.Gly235Val). The glycine residue is moderately conserved and there is a moderate physicochemical difference between glycine and valine. Algorithms developed to predict the effect of sequence changes on RNA splicing suggest that this variant may disrupt the consensus splice site, but this prediction has not been confirmed by published transcriptional studies. In summary, the available evidence is currently insufficient to determine the role of this variant in disease. Therefore, it has been classified as a Variant of Uncertain Significance.